The following is an entry in ClinVar:

ClinVar aggregate classification (germline): Uncertain significance (1 of 4 stars; one submission).

Submission:

Labcorp Genetics (formerly Invitae), Labcorp
Classification: Uncertain significance. Last evaluated: 2022-08-21. Review status: criteria provided, single submitter. Criteria: Invitae Variant Classification Sherloc (09022015). Collection method: clinical testing. Allele origin: germline.
Comment: In summary, the available evidence is currently insufficient to determine the role of this variant in disease. Therefore, it has been classified as a Variant of Uncertain Significance. Advanced modeling of protein sequence and biophysical properties (such as structural, functional, and spatial information, amino acid conservation, physicochemical variation, residue mobility, and thermodynamic stability) performed at Invitae indicates that this missense variant is not expected to disrupt SLC12A3 protein function. This variant has not been reported in the literature in individuals affected with SLC12A3-related conditions. This variant is not present in population databases (gnomAD no frequency). This sequence change replaces glutamine, which is neutral and polar, with glutamic acid, which is acidic and polar, at codon 965 of the SLC12A3 protein (p.Gln965Glu).

NM_001126108.2(SLC12A3):c.2866C>G (p.Gln956Glu)

Gene: SLC12A3 (solute carrier family 12 member 3; plus strand). Cytogenetic location: 16q13.
Variant type: single nucleotide variant.
Coding change: c.2866C>G on transcript NM_001126108.2 (MANE Select); coding-DNA position 2866, C replaced by G.
Protein change: p.Gln956Glu; replaces glutamine 956 with glutamic acid.
Molecular consequence: missense variant.
Genome position (GRCh38, 1-based): chr16:56,904,404, C>G. VCF-style: chr16-56904404-C-G. GRCh37 (hg19) VCF-style: chr16-56938316-C-G.
Other names: c.2893C>G, p.Gln965Glu (NM_000339.3); c.2890C>G, p.Gln964Glu (NM_001126107.2); c.2863C>G, p.Gln955Glu (NM_001410896.1); short protein forms Q955E, Q956E, Q964E, Q965E.
Identifiers: ClinVar variation 1717373 (VCV001717373.5), dbSNP rs761692493, ClinGen allele CA396002241.